The following is an entry in ClinVar:

NM_000051.4(ATM):c.4184A>G (p.Asn1395Ser)

Gene: ATM (ATM serine/threonine kinase; plus strand). Cytogenetic location: 11q22.3.
Variant type: single nucleotide variant.
Coding change: c.4184A>G on transcript NM_000051.4 (MANE Select); coding-DNA position 4184, A replaced by G.
Protein change: p.Asn1395Ser; replaces asparagine 1395 with serine.
Molecular consequence: missense variant.
Genome position (GRCh38, 1-based): chr11:108,289,051, A>G. VCF-style: chr11-108289051-A-G. GRCh37 (hg19) VCF-style: chr11-108159778-A-G.
Other names: c.4184A>G, p.Asn1395Ser (NM_001351834.2); short protein forms N1395S.
Identifiers: ClinVar variation 453506 (VCV000453506.21), dbSNP rs375396787, ClinGen allele CA228374758.
Genomic context (GRCh38, chr11:108,289,051, plus strand): 5'-CTCCTAATCCACCTCATTTTCCATCGCATGTGATTAAAGCAACATTTGCCTATATCAGCA[A>G]TTGTCATAAAACCAAGTTAAAAAGCATTTTAGAAATTCTTTCCAAAAGCCCTGTAAGTAT-3'
Protein context (NP_000042.3, residues 1385-1405): VIKATFAYIS[Asn1395Ser]CHKTKLKSIL

ClinVar aggregate classification (germline): Conflicting classifications of pathogenicity. Review status: criteria provided, conflicting classifications (1 of 4 stars). 5 submissions from 5 submitters: Uncertain significance (3); Likely benign (1). 1 of the submissions does not count toward it. Last evaluated 2025-11-10.

Conditions:
Hereditary cancer-predisposing syndrome. Also called: Tumor predisposition; Hereditary Cancer Syndrome; Neoplastic Syndromes, Hereditary; Hereditary neoplastic syndrome. Identifiers: Orphanet 140162, MedGen C0027672, MeSH D009386, MONDO:0015356.
Familial cancer of breast. Also called: Hereditary breast cancer; hereditary breast carcinoma; BREAST CANCER, FAMILIAL. Identifiers: Orphanet 227535, MedGen C0346153, MONDO:0016419, OMIM 114480. Disease mechanism: loss of function.
Ataxia-telangiectasia syndrome (AT). Also called: Cerebello-oculocutaneous telangiectasia; Immunodeficiency with ataxia telangiectasia; Ataxia-telangiectasia, complementation group D; AT, COMPLEMENTATION GROUP C; Ataxia-telangiectasia, complementation group E; LOUIS-BAR SYNDROME. Identifiers: Orphanet 100, MedGen C0004135, MONDO:0008840, OMIM 208900.

Allele frequency attached by ClinVar (database versions not stated): gnomAD exomes below 0.00001; TOPMed below 0.00001; ESP Exome Variant Server 0.00008.
gnomAD v4.1: 2 of 1,612,988 alleles (0.00012%); highest among the groups gnomAD compares: Middle Eastern, 0.017%; no homozygotes.

Submissions (5):

Labcorp Genetics (formerly Invitae), Labcorp
Classification: Uncertain significance for Ataxia-telangiectasia syndrome. Last evaluated: 2025-11-10. Review status: criteria provided, single submitter. Criteria: Invitae Variant Classification Sherloc (09022015). Collection method: clinical testing. Allele origin: germline.
Comment: This sequence change replaces asparagine, which is neutral and polar, with serine, which is neutral and polar, at codon 1395 of the ATM protein (p.Asn1395Ser). This variant is not present in population databases (gnomAD no frequency). This variant has not been reported in the literature in individuals affected with ATM-related conditions. ClinVar contains an entry for this variant (Variation ID: 453506). Invitae Evidence Modeling of protein sequence and biophysical properties (such as structural, functional, and spatial information, amino acid conservation, physicochemical variation, residue mobility, and thermodynamic stability) indicates that this missense variant is not expected to disrupt ATM protein function with a negative predictive value of 95%. RNA analysis performed to evaluate the impact of this missense change on mRNA splicing indicates it does not significantly alter splicing (internal data). In summary, the available evidence is currently insufficient to determine the role of this variant in disease. Therefore, it has been classified as a Variant of Uncertain Significance.

Ambry Genetics
Classification: Likely benign for Hereditary cancer-predisposing syndrome. Last evaluated: 2024-02-19. Review status: criteria provided, single submitter. Criteria: Ambry Variant Classification Scheme 2023. Collection method: clinical testing. Allele origin: germline.

Color Diagnostics, LLC DBA Color Health
Classification: Uncertain significance for Hereditary cancer-predisposing syndrome. Last evaluated: 2023-12-05. Review status: criteria provided, single submitter. Criteria: ACMG Guidelines, 2015. Collection method: clinical testing. Allele origin: germline.
Comment: This missense variant replaces asparagine with serine at codon 1395 of the ATM protein. Computational prediction suggests that this variant may not impact protein structure and function (internally defined REVEL score threshold <= 0.5, PMID: 27666373). To our knowledge, functional studies have not been reported for this variant. This variant has not been reported in individuals affected with ATM-related disorders in the literature. This variant has not been identified in the general population by the Genome Aggregation Database (gnomAD). The available evidence is insufficient to determine the role of this variant in disease conclusively. Therefore, this variant is classified as a Variant of Uncertain Significance.

Department of Pathology and Laboratory Medicine, Sinai Health System
Classification: Uncertain significance for Familial cancer of breast. Last evaluated: 2019-12-03. Review status: criteria provided, single submitter. Criteria: ACMG Guidelines, 2015. Collection method: clinical testing. Allele origin: germline. Affected: yes.

Natera, Inc.
Classification: Uncertain significance for Ataxia-telangiectasia. Last evaluated: 2021-05-10. Review status: no assertion criteria provided. Collection method: clinical testing. Allele origin: germline. Not counted in ClinVar's aggregate classification.